The following is an entry in ClinVar:

ClinVar aggregate classification (germline): Uncertain significance. Review status: criteria provided, multiple submitters, no conflicts (2 of 4 stars). 2 submissions from 2 submitters: Uncertain significance (2). Last evaluated 2024-08-11.

Conditions:
Intellectual disability, autosomal recessive 53 (NEDHSCA). Also called: GLYCOSYLPHOSPHATIDYLINOSITOL BIOSYNTHESIS DEFECT 13; Mental retardation, autosomal recessive 53; NEURODEVELOPMENTAL DISORDER WITH OR WITHOUT HYPOTONIA, SEIZURES, AND CEREBELLAR ATROPHY. Identifiers: Orphanet 488635, MedGen C4310794, MONDO:0014832, OMIM 616917.
Inborn genetic diseases. Identifiers: MedGen C0950123, MeSH D030342.

Allele frequency attached by ClinVar (database versions not stated): TOPMed below 0.00001.
gnomAD v4.1: 1 of 1,614,222 alleles (0.000062%); no homozygotes.

Submissions (2):

Ambry Genetics
Classification: Uncertain significance for Inborn genetic diseases. Last evaluated: 2024-08-11. Review status: criteria provided, single submitter. Criteria: Ambry Variant Classification Scheme 2023. Collection method: clinical testing. Allele origin: germline.

Labcorp Genetics (formerly Invitae), Labcorp
Classification: Uncertain significance for Intellectual disability, autosomal recessive 53. Last evaluated: 2022-03-27. Review status: criteria provided, single submitter. Criteria: Invitae Variant Classification Sherloc (09022015). Collection method: clinical testing. Allele origin: germline.
Comment: This sequence change replaces leucine, which is neutral and non-polar, with proline, which is neutral and non-polar, at codon 565 of the PIGG protein (p.Leu565Pro). In summary, the available evidence is currently insufficient to determine the role of this variant in disease. Therefore, it has been classified as a Variant of Uncertain Significance. Algorithms developed to predict the effect of missense changes on protein structure and function are either unavailable or do not agree on the potential impact of this missense change (SIFT: "Deleterious"; PolyPhen-2: "Probably Damaging"; Align-GVGD: "Class C0"). This variant has not been reported in the literature in individuals affected with PIGG-related conditions. This variant is not present in population databases (gnomAD no frequency).

NM_001127178.3(PIGG):c.1694T>C (p.Leu565Pro)

Gene: PIGG (phosphatidylinositol glycan anchor biosynthesis class G (EMM blood group); plus strand). Cytogenetic location: 4p16.3.
Variant type: single nucleotide variant.
Coding change: c.1694T>C on transcript NM_001127178.3 (MANE Select); coding-DNA position 1694, T replaced by C.
Protein change: p.Leu565Pro; replaces leucine 565 with proline.
Molecular consequence: missense variant. On other transcripts: non-coding transcript variant (7).
Genome position (GRCh38, 1-based): chr4:523,538, T>C. VCF-style: chr4-523538-T-C. GRCh37 (hg19) VCF-style: chr4-517327-T-C.
Other names: c.1427T>C, p.Leu476Pro (NM_001289051.2, NM_001345986.2); c.1295T>C, p.Leu432Pro (NM_001289052.2); c.1403T>C, p.Leu468Pro (NM_001345987.2); c.665T>C, p.Leu222Pro (NM_001345988.2); c.161T>C, p.Leu54Pro (NM_001345990.2, NM_001345991.2); c.596T>C, p.Leu199Pro (NM_001345994.2); c.1670T>C, p.Leu557Pro (NM_017733.5); c.1694T>C (NM_001127178.1); short protein forms L222P, L565P, L199P, L476P, L432P, L468P, L54P, L557P.
Identifiers: ClinVar variation 2166163 (VCV002166163.5), dbSNP rs1177288487, ClinGen allele CA355906735.